The following is an entry in ClinVar:

NM_005751.5(AKAP9):c.2916G>C (p.Glu972Asp)

Gene: AKAP9 (A-kinase anchoring protein 9; plus strand). Cytogenetic location: 7q21.2.
Variant type: single nucleotide variant.
Coding change: c.2916G>C on transcript NM_005751.5 (MANE Select); coding-DNA position 2916, G replaced by C.
Protein change: p.Glu972Asp; replaces glutamic acid 972 with aspartic acid.
Molecular consequence: missense variant.
Genome position (GRCh38, 1-based): chr7:92,002,833, G>C. VCF-style: chr7-92002833-G-C. GRCh37 (hg19) VCF-style: chr7-91632147-G-C.
Other names: c.2916G>C, p.Glu972Asp (NM_147185.3); short protein forms E972D.
Identifiers: ClinVar variation 3282076 (VCV003282076.1).
Genomic context (GRCh38, chr7:92,002,833, plus strand): 5'-ATTAGAGCTGTCACAGAGACTGTCTGATCTTTCTGAACAATTGAAACAGAAACATGGTGA[G>C]ATTAGTTTTCTAAATGAAGAAGTTAAATCTTTAAAGCAAGAGAAAGAACAAGTTTCATTG-3'
Protein context (NP_005742.4, residues 962-982): LSEQLKQKHG[Glu972Asp]ISFLNEEVKS

ClinVar aggregate classification (germline): Uncertain significance (1 of 4 stars; one submission).

Conditions:
Cardiovascular phenotype. Identifiers: MedGen CN230736.

gnomAD v4.1: 2 of 1,613,374 alleles (0.00012%); highest among the groups gnomAD compares: Non-Finnish European, 0.00017%; no homozygotes.

Submission:

Ambry Genetics
Classification: Uncertain significance for Cardiovascular phenotype. Last evaluated: 2024-05-24. Review status: criteria provided, single submitter. Criteria: Ambry Variant Classification Scheme 2023. Collection method: clinical testing. Allele origin: germline.
Comment: The p.E972D variant (also known as c.2916G>C), located in coding exon 8 of the AKAP9 gene, results from a G to C substitution at nucleotide position 2916. The glutamic acid at codon 972 is replaced by aspartic acid, an amino acid with highly similar properties. This amino acid position is conserved. In addition, this alteration is predicted to be tolerated by in silico analysis. Based on the available evidence, the clinical significance of this variant remains unclear.